The following is an entry in ClinVar:

ClinVar aggregate classification (germline): Uncertain significance (1 of 4 stars; one submission).

Conditions:
SLC26A4-related disorder. Also called: SLC26A4-related disorders; SLC26A4-related condition.

Submission:

PreventionGenetics, part of Exact Sciences
Classification: Uncertain significance for SLC26A4-related condition. Last evaluated: 2026-03-12. Review status: criteria provided, single submitter. Criteria: ACMG Guidelines, 2015. Collection method: clinical testing. Allele origin: germline.
Comment: The SLC26A4 c.-4+12C>T variant is located in the 5' untranslated region. To our knowledge, this variant has not been reported in the literature. This variant is reported in 0.12% of alleles in individuals of Latino descent in gnomAD. Although we suspect that this variant may be benign, at this time, the clinical significance of this variant is uncertain due to the absence of conclusive functional and genetic evidence.

NM_000441.2(SLC26A4):c.-4+12C>T

Genes: SLC26A4 (solute carrier family 26 member 4; plus strand), SLC26A4-AS1 (SLC26A4 antisense RNA 1; minus strand). Cytogenetic location: 7q22.3.
Variant type: single nucleotide variant.
Coding change: c.-4+12C>T on transcript NM_000441.2 (MANE Select); 12 bases into the intron after 4 bases upstream of the start codon, C replaced by T.
Molecular consequence: intron variant.
Genome position (GRCh38, 1-based): chr7:107,660,867, C>T. VCF-style: chr7-107660867-C-T. GRCh37 (hg19) VCF-style: chr7-107301312-C-T.
Identifiers: ClinVar variation 4982535 (VCV004982535.1).